The following is an entry in ClinVar:

NM_020987.5(ANK3):c.3821C>A (p.Ser1274Tyr)

Gene: ANK3 (ankyrin 3; minus strand). Cytogenetic location: 10q21.2.
Variant type: single nucleotide variant.
Coding change: c.3821C>A on transcript NM_020987.5 (MANE Select); coding-DNA position 3821, C replaced by A.
Protein change: p.Ser1274Tyr; replaces serine 1274 with tyrosine.
Molecular consequence: missense variant.
Genome position (GRCh38, 1-based): chr10:60,085,181, G>T on the plus strand (C>A on the coding strand, the complement: ANK3 is on the minus strand). VCF-style: chr10-60085181-G-T. GRCh37 (hg19) VCF-style: chr10-61844939-G-T.
Other names: c.1223C>A, p.Ser408Tyr (NM_001149.4); c.3803C>A, p.Ser1268Tyr (NM_001204403.2); c.3824C>A, p.Ser1275Tyr (NM_001204404.2); c.3821C>A, p.Ser1274Tyr (NM_001320874.2); short protein forms S1268Y, S1274Y, S1275Y, S408Y.
Identifiers: ClinVar variation 434183 (VCV000434183.7), dbSNP rs371069694, ClinGen allele CA208251584.

ClinVar aggregate classification (germline): Uncertain significance. Review status: criteria provided, multiple submitters, no conflicts (2 of 4 stars). 2 submissions from 2 submitters: Uncertain significance (2). Last evaluated 2026-03-13.

Allele frequency attached by ClinVar (database versions not stated): gnomAD 0.00001; TOPMed 0.00001; ESP Exome Variant Server 0.00008.
gnomAD v4.1: 41 of 1,612,500 alleles (0.0025%); highest among the groups gnomAD compares: Non-Finnish European, 0.0033%; no homozygotes.

Submissions (2):

GeneDx
Classification: Uncertain significance. Last evaluated: 2026-03-13. Review status: criteria provided, single submitter. Criteria: GeneDx Variant Classification Process June 2021. Collection method: clinical testing. Allele origin: germline.
Comment: Not observed at significant frequency in large population cohorts (gnomAD); In silico analysis supports that this missense variant has a deleterious effect on protein structure/function; This variant is associated with the following publications: (PMID: 34867351)

Genetic Services Laboratory, University of Chicago
Classification: Uncertain significance. Last evaluated: 2017-03-20. Review status: criteria provided, single submitter. Criteria: ACMG Guidelines, 2015. Collection method: clinical testing. Allele origin: germline. Affected: no.